The following is an entry in ClinVar:

ClinVar aggregate classification (germline): Uncertain significance (1 of 4 stars; one submission).

Conditions:
Cardiovascular phenotype. Identifiers: MedGen CN230736.

gnomAD v4.1: 2 of 1,614,022 alleles (0.00012%); highest among the groups gnomAD compares: South Asian, 0.0011%; no homozygotes.

Submission:

Ambry Genetics
Classification: Uncertain significance for Cardiovascular phenotype. Last evaluated: 2025-04-13. Review status: criteria provided, single submitter. Criteria: Ambry Variant Classification Scheme 2023. Collection method: clinical testing. Allele origin: germline.
Comment: The p.E1653G variant (also known as c.4958A>G), located in coding exon 38 of the ANK2 gene, results from an A to G substitution at nucleotide position 4958. The glutamic acid at codon 1653 is replaced by glycine, an amino acid with similar properties. This amino acid position is conserved. In addition, this alteration is predicted to be tolerated by in silico analysis. Based on the available evidence, the clinical significance of this variant remains unclear.

NM_001148.6(ANK2):c.4958A>G (p.Glu1653Gly)

Gene: ANK2 (ankyrin 2; plus strand). Cytogenetic location: 4q26.
Variant type: single nucleotide variant.
Coding change: c.4958A>G on transcript NM_001148.6 (MANE Select); coding-DNA position 4958, A replaced by G.
Protein change: p.Glu1653Gly; replaces glutamic acid 1653 with glycine.
Molecular consequence: missense variant. On other transcripts: intron variant (68).
Genome position (GRCh38, 1-based): chr4:113,353,576, A>G. VCF-style: chr4-113353576-A-G. GRCh37 (hg19) VCF-style: chr4-114274732-A-G.
Other names: c.4724A>G, p.Glu1575Gly (NM_001386142.1); c.1358A>G, p.Glu453Gly (NM_001386166.1); c.5099A>G, p.Glu1700Gly (NM_001386174.1); c.5075A>G, p.Glu1692Gly (NM_001386175.1); c.4411+3327A>G (NM_001386186.2, NM_001386148.2); c.4213+3327A>G (NM_001354269.3); c.4291+3327A>G (NM_001386187.2); c.4252+3327A>G (NM_001386147.1); and 35 more; short protein forms E1692G, E453G, E1575G, E1700G, E1653G.
Identifiers: ClinVar variation 4050938 (VCV004050938.1).
Genomic context (GRCh38, chr4:113,353,576, plus strand): 5'-CAACTGGGCTAGTGAACTACCTTACTGATGATCTGAATACCTGTGTGCCTCTTCCCAAAG[A>G]GCAGCTGCAGACAGTTCAAGATAAGGCAGGGAAGAAATGTGAGGCTCTGGCTGTTGGCAG-3'
Protein context (NP_001139.3, residues 1643-1663): DLNTCVPLPK[Glu1653Gly]QLQTVQDKAG